The following is an entry in ClinVar:

ClinVar aggregate classification (germline): Likely benign. Review status: criteria provided, multiple submitters, no conflicts (2 of 4 stars). 3 submissions from 3 submitters: Likely benign (3). Last evaluated 2026-04-01.

Conditions:
Inborn genetic diseases. Identifiers: MedGen C0950123, MeSH D030342.
Hereditary spastic paraplegia 30. Identifiers: Orphanet 101010, MedGen C5235139, MONDO:0012476.
Neuropathy, hereditary sensory, type 2C. Also called: Hereditary sensory and autonomic neuropathy type IIC; KIF1A-Related HSAN2 (HSAN2C). Identifiers: Orphanet 970, MedGen C3280168, MONDO:0013634, OMIM 614213.
Intellectual disability, autosomal dominant 9 (NESCAVS). Also called: KIF1A-Related Neurodevelopmental Disorder; NESCAV SYNDROME. Identifiers: Orphanet 662367, MedGen C5393830, MONDO:0013656, OMIM 614255.

Allele frequency attached by ClinVar (database versions not stated): gnomAD 0.00002 and 0.00003; gnomAD exomes 0.00002 and 0.00007; TOPMed 0.00002; ExAC 0.00009; 1000 Genomes Project 30x 0.00016.
gnomAD v4.1: 44 of 1,605,938 alleles (0.0027%); highest among the groups gnomAD compares: East Asian, 0.047%; no homozygotes.

Submissions (3):

CeGaT Center for Human Genetics Tuebingen
Classification: Likely benign. Last evaluated: 2026-04-01. Review status: criteria provided, single submitter. Criteria: CeGaT Center For Human Genetics Tuebingen Variant Classification Criteria Version 2. Collection method: clinical testing. Allele origin: germline. Affected: yes. Observed: 1 variant allele.
Comment: KIF1A: BP4, BP7

Labcorp Genetics (formerly Invitae), Labcorp
Classification: Likely benign for Hereditary spastic paraplegia 30; Neuropathy, hereditary sensory, type 2C; Intellectual disability, autosomal dominant 9. Last evaluated: 2025-07-02. Review status: criteria provided, single submitter. Criteria: Invitae Variant Classification Sherloc (09022015). Collection method: clinical testing. Allele origin: germline.

Ambry Genetics
Classification: Likely benign for Inborn genetic diseases. Last evaluated: 2016-12-14. Review status: criteria provided, single submitter. Criteria: Ambry Variant Classification Scheme 2023. Collection method: clinical testing. Allele origin: germline.

NM_001244008.2(KIF1A):c.5232G>A (p.Ala1744=)

Gene: KIF1A (kinesin family member 1A; minus strand). Cytogenetic location: 2q37.3.
Variant type: single nucleotide variant.
Coding change: c.5232G>A on transcript NM_001244008.2 (MANE Select); coding-DNA position 5232, G replaced by A.
Protein change: p.Ala1744=; no amino-acid change (alanine 1744 retained).
Molecular consequence: synonymous variant.
Genome position (GRCh38, 1-based): chr2:240,718,151, C>T on the plus strand (G>A on the coding strand, the complement: KIF1A is on the minus strand). VCF-style: chr2-240718151-C-T. GRCh37 (hg19) VCF-style: chr2-241657568-C-T.
Other names: c.4956G>A, p.Ala1652= (NM_001320705.2, NM_001379649.1); c.4983G>A, p.Ala1661= (NM_001330289.2); c.5031G>A, p.Ala1677= (NM_001330290.2, NM_001379648.1); c.5307G>A, p.Ala1769= (NM_001379631.1); c.5208G>A, p.Ala1736= (NM_001379632.1); c.5205G>A, p.Ala1735= (NM_001379633.1, NM_001379645.1); c.5058G>A, p.Ala1686= (NM_001379634.1); c.5055G>A, p.Ala1685= (NM_001379635.1, NM_001379646.1); and 8 more.
Identifiers: ClinVar variation 588551 (VCV000588551.56), dbSNP rs750647166, ClinGen allele CA2207129.
Genomic context (GRCh38, chr2:240,718,151, plus strand): 5'-GTCATGCATGTCCTTGTCGCTGGCGGCCTGCAGCAGGATGCCGCGGTGTTCCGTGCACAC[C>T]GCGAATGTGTTGGGTGTCTGCAGAGGGAGGCAGCTGGTGAGGAGGTGCCAGGCTCCGTGG-3'
Protein context (NP_001230937.1, residues 1734-1754): QAMLKTPNTF[Ala1744=]VCTEHRGILL